The following is an entry in ClinVar:

NM_152709.5(STOX1):c.1824A>C (p.Glu608Asp)

Gene: STOX1 (storkhead box 1; plus strand). Cytogenetic location: 10q22.1.
Variant type: single nucleotide variant.
Coding change: c.1824A>C on transcript NM_152709.5 (MANE Select); coding-DNA position 1824, A replaced by C.
Protein change: p.Glu608Asp; replaces glutamic acid 608 with aspartic acid.
Molecular consequence: missense variant. On other transcripts: intron variant (2).
Genome position (GRCh38, 1-based): chr10:68,885,620, A>C. VCF-style: chr10-68885620-A-C. GRCh37 (hg19) VCF-style: chr10-70645376-A-C.
Other names: c.1824A>C, p.Glu608Asp (NM_001130161.4); c.663+1161A>C (NM_001130159.3); c.463+3510A>C (NM_001130160.3); short protein forms E608D.
Identifiers: ClinVar variation 1720 (VCV000001720.6), dbSNP rs10509305, ClinGen allele CA115165.
Genomic context (GRCh38, chr10:68,885,620, plus strand): 5'-GAGCATGTTGCAAAATGATGGTAAATGCTGTCCCTTTATGGAAAGCATGTTGAGATATGA[A>C]GTGTATGGTGGAGAAAATGAGGTAATTCCTGAAGTCTTGAGGAAAAGTCATTCCCACTTT-3'
Protein context (NP_689922.3, residues 598-618): CPFMESMLRY[Glu608Asp]VYGGENEVIP

ClinVar aggregate classification (germline): Benign/Likely benign. Review status: criteria provided, multiple submitters, no conflicts (2 of 4 stars). 5 submissions from 5 submitters: Benign (2); Likely benign (1). 2 of the submissions do not count toward it. Last evaluated 2025-07-30.

Conditions:
Cytosolic phospholipase-A2 alpha deficiency associated bleeding disorder (GURDP). Also called: Deficiency of phospholipase A2, group IVA; GASTROINTESTINAL ULCERATION, RECURRENT, WITH DYSFUNCTIONAL PLATELETS. Identifiers: Orphanet 477787, MedGen C5567651, MONDO:0018794, OMIM 618372.
Preeclampsia/eclampsia 4 (PEE4). Identifiers: MedGen C1836255, MONDO:0012266, OMIM 609404.

Allele frequency attached by ClinVar (database versions not stated): 1000 Genomes Project 30x 0.14101; 1000 Genomes Project 0.14417; TOPMed 0.16868; gnomAD 0.17379 and 0.17540; ExAC 0.21220.
gnomAD v4.1: 338,919 of 1,614,008 alleles (21%); highest among the groups gnomAD compares: Admixed American, 28%; 37,455 homozygotes.

Submissions (5):

Genomic Medicine Center of Excellence, King Faisal Specialist Hospital and Research Centre
Classification: Likely benign for Cytosolic phospholipase-A2 alpha deficiency associated bleeding disorder. Last evaluated: 2025-07-30. Review status: criteria provided, single submitter. Criteria: ACMG Guidelines, 2015. Collection method: clinical testing. Allele origin: germline.

H3Africa Consortium
Classification: Benign. Last evaluated: 2020-10-28. Review status: criteria provided, single submitter. Criteria: Choudhury A et al. (Nature 2020). Collection method: research. Allele origin: germline. Study: H3Africa.
Comment: While the frequency of the alternate allele in gnoMAD v2.0.2 is 0.06, its frequency in African populations is >5%. This suggests that previous classifications of this variant as pathogenic are in error.

Breakthrough Genomics
Classification: Benign. Review status: criteria provided, single submitter. Criteria: ACMG Guidelines, 2015. Collection method: not provided. Allele origin: germline. Inheritance: Autosomal dominant inheritance. Affected: yes.

Reproductive Health Research and Development, BGI Genomics
Classification: Benign for Preeclampsia/eclampsia 4. Last evaluated: 2020-01-06. Review status: no assertion criteria provided. Collection method: curation. Allele origin: germline. Not counted in ClinVar's aggregate classification.
Comment: NM_152709.4:c.1824A>C in the STOX1 gene has an allele frequency of 0.307 in European (Finnish) subpopulation in gnomAD dacabase. 7171 homozygous occurrences are observed in the gnomAD database. This evidence suggests the variant to be classified as benign. ACMG/AMP criteria applied: BA1, BS2.

OMIM
Classification: Pathogenic for PREECLAMPSIA/ECLAMPSIA 4. Last evaluated: 2005-05-01. Review status: no assertion criteria provided. Collection method: literature only. Allele origin: germline. Not counted in ClinVar's aggregate classification.

Literature cited by the submitters: PubMed 15806103 (cited by OMIM).